The following is an entry in ClinVar:

NM_014339.7(IL17RA):c.2446G>A (p.Glu816Lys)

Gene: IL17RA (interleukin 17 receptor A; plus strand). Cytogenetic location: 22q11.1.
Variant type: single nucleotide variant.
Coding change: c.2446G>A on transcript NM_014339.7 (MANE Select); coding-DNA position 2446, G replaced by A.
Protein change: p.Glu816Lys; replaces glutamic acid 816 with lysine.
Molecular consequence: missense variant.
Genome position (GRCh38, 1-based): chr22:17,109,665, G>A. VCF-style: chr22-17109665-G-A. GRCh37 (hg19) VCF-style: chr22-17590555-G-A.
Other names: c.2344G>A, p.Glu782Lys (NM_001289905.2); short protein forms E782K, E816K.
Identifiers: ClinVar variation 1378448 (VCV001378448.8), dbSNP rs1404382349, ClinGen allele CA410222221.

ClinVar aggregate classification (germline): Uncertain significance. Review status: criteria provided, multiple submitters, no conflicts (2 of 4 stars). 2 submissions from 2 submitters: Uncertain significance (2). Last evaluated 2022-04-08.

Conditions:
Immunodeficiency 51 (IMD51). Also called: CANDIDIASIS, FAMILIAL, 5. Identifiers: Orphanet 1334, MedGen C4310803, MONDO:0013500, OMIM 613953.

Allele frequency attached by ClinVar (database versions not stated): gnomAD exomes below 0.00001; TOPMed 0.00001.
gnomAD v4.1: 6 of 1,603,678 alleles (0.00037%); highest among the groups gnomAD compares: Non-Finnish European, 0.00034%; no homozygotes.

Submissions (2):

Labcorp Genetics (formerly Invitae), Labcorp
Classification: Uncertain significance for Immunodeficiency 51. Last evaluated: 2022-04-08. Review status: criteria provided, single submitter. Criteria: Invitae Variant Classification Sherloc (09022015). Collection method: clinical testing. Allele origin: germline.
Comment: This sequence change replaces glutamic acid, which is acidic and polar, with lysine, which is basic and polar, at codon 816 of the IL17RA protein (p.Glu816Lys). In summary, the available evidence is currently insufficient to determine the role of this variant in disease. Therefore, it has been classified as a Variant of Uncertain Significance. Algorithms developed to predict the effect of missense changes on protein structure and function are either unavailable or do not agree on the potential impact of this missense change (SIFT: "Tolerated"; PolyPhen-2: "Possibly Damaging"; Align-GVGD: "Class C0"). This variant has not been reported in the literature in individuals affected with IL17RA-related conditions. The frequency data for this variant in the population databases is considered unreliable, as metrics indicate poor data quality at this position in the gnomAD database.

Blueprint Genetics
Classification: Uncertain significance. Last evaluated: 2020-01-20. Review status: criteria provided, single submitter. Criteria: ACMG Guidelines, 2015. Collection method: clinical testing. Allele origin: germline.